The following is an entry in ClinVar:

ClinVar aggregate classification (germline): Likely benign. Review status: criteria provided, multiple submitters, no conflicts (2 of 4 stars). 4 submissions from 4 submitters: Likely benign (4). Last evaluated 2024-11-13.

Conditions:
Aortic aneurysm, familial thoracic 4 (AAT4). Also called: AORTIC ANEURYSM/AORTIC DISSECTION AND PATENT DUCTUS ARTERIOSUS. Identifiers: MedGen C1851504, MONDO:0007568, OMIM 132900.
Familial thoracic aortic aneurysm and aortic dissection (TAAD). Also called: Thoracic aortic aneurysms and dissections. Identifiers: Orphanet 91387, MedGen C4707243, MONDO:0019625.

Allele frequency attached by ClinVar (database versions not stated): gnomAD exomes below 0.00001; gnomAD 0.00001; TOPMed 0.00001.

Submissions (4):

Ambry Genetics
Classification: Likely benign for Familial thoracic aortic aneurysm and aortic dissection. Last evaluated: 2024-11-13. Review status: criteria provided, single submitter. Criteria: Ambry Variant Classification Scheme 2023. Collection method: clinical testing. Allele origin: germline.

All of Us Research Program, National Institutes of Health
Classification: Likely benign for Familial thoracic aortic aneurysm and aortic dissection. Last evaluated: 2023-09-17. Review status: criteria provided, single submitter. Criteria: ACMG Guidelines, 2015. Collection method: clinical testing. Allele origin: germline. Inheritance: Autosomal dominant inheritance. Observed: 2 variant alleles, 2 heterozygotes.
Comment: This study involves interpretation of variants in research participants for the purpose of population health screening. Participant phenotype was not available at the time of variant classification. Additional details can be found in publication PMID: 35346344, PMCID: PMC8962531

Color Diagnostics, LLC DBA Color Health
Classification: Likely benign for Familial thoracic aortic aneurysm and aortic dissection. Last evaluated: 2023-05-31. Review status: criteria provided, single submitter. Criteria: ACMG Guidelines, 2015. Collection method: clinical testing. Allele origin: germline.

Labcorp Genetics (formerly Invitae), Labcorp
Classification: Likely benign for Aortic aneurysm, familial thoracic 4. Last evaluated: 2019-06-09. Review status: criteria provided, single submitter. Criteria: Invitae Variant Classification Sherloc (09022015). Collection method: clinical testing. Allele origin: germline.

NM_002474.3(MYH11):c.3792G>T (p.Leu1264=)

Gene: MYH11 (myosin heavy chain 11; minus strand). Cytogenetic location: 16p13.11.
Variant type: single nucleotide variant.
Coding change: c.3792G>T on transcript NM_002474.3 (MANE Select); coding-DNA position 3792, G replaced by T.
Protein change: p.Leu1264=; no amino-acid change (leucine 1264 retained).
Molecular consequence: synonymous variant.
Genome position (GRCh38, 1-based): chr16:15,726,914, C>A on the plus strand (G>T on the coding strand, the complement: MYH11 is on the minus strand). VCF-style: chr16-15726914-C-A. GRCh37 (hg19) VCF-style: chr16-15820771-C-A.
Other names: c.3813G>T, p.Leu1271= (NM_001040113.2, NM_001040114.2); c.3792G>T, p.Leu1264= (NM_022844.3); c.3792G>T (NM_002474.2).
Identifiers: ClinVar variation 1139087 (VCV001139087.11), dbSNP rs1356471048, ClinGen allele CA493765820.